The following is an entry in ClinVar:

ClinVar aggregate classification (germline): Uncertain significance (1 of 4 stars; one submission).

Conditions:
Meckel-Gruber syndrome. Also called: DYSENCEPHALIA SPLANCHNOCYSTICA; GRUBER SYNDROME; Dysencephalia splachnocystica. Identifiers: Orphanet 564, MedGen C0265215, MONDO:0018921.
Joubert syndrome. Also called: CEREBELLOPARENCHYMAL DISORDER IV; JOUBERT-BOLTSHAUSER SYNDROME; Familial aplasia of the vermis. Identifiers: Orphanet 475, MedGen C5979921, MONDO:0018772.

Submission:

Labcorp Genetics (formerly Invitae), Labcorp
Classification: Uncertain significance for Joubert syndrome; Meckel-Gruber syndrome. Last evaluated: 2022-10-13. Review status: criteria provided, single submitter. Criteria: Invitae Variant Classification Sherloc (09022015). Collection method: clinical testing. Allele origin: germline.
Comment: Advanced modeling of protein sequence and biophysical properties (such as structural, functional, and spatial information, amino acid conservation, physicochemical variation, residue mobility, and thermodynamic stability) performed at Invitae indicates that this missense variant is expected to disrupt TCTN1 protein function. This sequence change replaces proline, which is neutral and non-polar, with threonine, which is neutral and polar, at codon 167 of the TCTN1 protein (p.Pro167Thr). This variant is not present in population databases (gnomAD no frequency). This variant has not been reported in the literature in individuals affected with TCTN1-related conditions. ClinVar contains an entry for this variant (Variation ID: 1501019). Algorithms developed to predict the effect of sequence changes on RNA splicing suggest that this variant may create or strengthen a splice site. In summary, the available evidence is currently insufficient to determine the role of this variant in disease. Therefore, it has been classified as a Variant of Uncertain Significance.

NM_001082538.3(TCTN1):c.499C>A (p.Pro167Thr)

Gene: TCTN1 (tectonic family member 1; plus strand). Cytogenetic location: 12q24.11.
Variant type: single nucleotide variant.
Coding change: c.499C>A on transcript NM_001082538.3 (MANE Select); coding-DNA position 499, C replaced by A.
Protein change: p.Pro167Thr; replaces proline 167 with threonine.
Molecular consequence: missense variant. On other transcripts: 5 prime UTR variant (1), non-coding transcript variant (1).
Genome position (GRCh38, 1-based): chr12:110,628,793, C>A. VCF-style: chr12-110628793-C-A. GRCh37 (hg19) VCF-style: chr12-111066598-C-A.
Other names: c.499C>A, p.Pro167Thr (NM_001082537.3, NM_001319680.2, NM_024549.6); c.331C>A, p.Pro111Thr (NM_001173975.3, NM_001319682.3); c.319C>A, p.Pro107Thr (NM_001173976.2); c.-36C>A (NM_001319681.2); short protein forms P111T, P167T, P107T.
Identifiers: ClinVar variation 1501019 (VCV001501019.5), dbSNP rs2136005301, ClinGen allele CA386702249.